The following is an entry in ClinVar:

NM_004408.4(DNM1):c.1031T>C (p.Ile344Thr)

Gene: DNM1 (dynamin 1; plus strand). Cytogenetic location: 9q34.11.
Variant type: single nucleotide variant.
Coding change: c.1031T>C on transcript NM_004408.4 (MANE Select); coding-DNA position 1031, T replaced by C.
Protein change: p.Ile344Thr; replaces isoleucine 344 with threonine.
Molecular consequence: missense variant.
Genome position (GRCh38, 1-based): chr9:128,222,499, T>C. VCF-style: chr9-128222499-T-C. GRCh37 (hg19) VCF-style: chr9-130984778-T-C.
Other names: c.1031T>C, p.Ile344Thr (NM_001005336.3, NM_001288737.2, NM_001288738.2 and 2 more transcripts); short protein forms I344T.
Identifiers: ClinVar variation 4075083 (VCV004075083.3).
Genomic context (GRCh38, chr9:128,222,499, plus strand): 5'-GGCCACACCACTCTCCCACCAGGATGGTCCAGCAGTTCGCCGTAGACTTTGAGAAGCGCA[T>C]TGAGGGCTCAGGAGATCAGATCGACACCTACGAACTGTCAGGGGGAGCCCGCATTAACCG-3'
Protein context (NP_004399.2, residues 334-354): QQFAVDFEKR[Ile344Thr]EGSGDQIDTY

ClinVar aggregate classification (germline): Conflicting classifications of pathogenicity. Review status: criteria provided, conflicting classifications (1 of 4 stars). 3 submissions from 3 submitters: Likely pathogenic (1); Uncertain significance (2). Last evaluated 2025-04-16.

Conditions:
Developmental and epileptic encephalopathy, 31A. Also called: Epileptic encephalopathy, early infantile, 31; Developmental and epileptic encephalopathy, 31. Identifiers: Orphanet 2382, MedGen C4225357, MONDO:0014598, OMIM 616346.
Epilepsy. Also called: Seizure disorder. Identifiers: MedGen C0014544, MeSH D004827, MONDO:0005027.

Submissions (3):

Greenwood Genetic Center Diagnostic Laboratories, Greenwood Genetic Center
Classification: Uncertain significance. Last evaluated: 2025-04-16. Review status: criteria provided, single submitter. Criteria: ACMG Guidelines, 2015. Collection method: clinical testing. Allele origin: germline. Affected: yes.
Comment: PM2, PP2, PP3

Labcorp Genetics (formerly Invitae), Labcorp
Classification: Uncertain significance for Developmental and epileptic encephalopathy, 31A. Last evaluated: 2025-03-19. Review status: criteria provided, single submitter. Criteria: Invitae Variant Classification Sherloc (09022015). Collection method: clinical testing. Allele origin: germline.
Comment: This sequence change replaces isoleucine, which is neutral and non-polar, with threonine, which is neutral and polar, at codon 344 of the DNM1 protein (p.Ile344Thr). This variant is not present in population databases (gnomAD no frequency). This variant has not been reported in the literature in individuals affected with DNM1-related conditions. Invitae Evidence Modeling of protein sequence and biophysical properties (such as structural, functional, and spatial information, amino acid conservation, physicochemical variation, residue mobility, and thermodynamic stability) indicates that this missense variant is expected to disrupt DNM1 protein function with a positive predictive value of 80%. In summary, the available evidence is currently insufficient to determine the role of this variant in disease. Therefore, it has been classified as a Variant of Uncertain Significance.

Cambridge Genomics Laboratory, East Genomic Laboratory Hub, NHS Genomic Medicine Service
Classification: Likely pathogenic for Epilepsy. Last evaluated: 2020-03-30. Review status: criteria provided, single submitter. Criteria: ACGS Best Practice Guidelines for Variant Classification in Rare Disease 2020. Collection method: clinical testing. Allele origin: germline. Affected: yes. Observed: 1 variant allele.